The following is an entry in ClinVar:

ClinVar aggregate classification (germline): Uncertain significance. Review status: criteria provided, multiple submitters, no conflicts (2 of 4 stars). 2 submissions from 2 submitters: Uncertain significance (2). Last evaluated 2020-02-03.

Conditions:
Ullrich congenital muscular dystrophy 2 (UCMD2). Identifiers: Orphanet 75840, MedGen C4225314, MONDO:0014654, OMIM 616470.
Bethlem myopathy 2 (BTHLM2). Identifiers: Orphanet 536516, Orphanet 610, MedGen C4225313, MONDO:0034022, OMIM 616471.

Submissions (2):

Labcorp Genetics (formerly Invitae), Labcorp
Classification: Uncertain significance for Bethlem myopathy 2; Ullrich congenital muscular dystrophy 2. Last evaluated: 2020-02-03. Review status: criteria provided, single submitter. Criteria: Invitae Variant Classification Sherloc (09022015). Collection method: clinical testing. Allele origin: germline.
Comment: In summary, the available evidence is currently insufficient to determine the role of this variant in disease. Therefore, it has been classified as a Variant of Uncertain Significance. Algorithms developed to predict the effect of missense changes on protein structure and function are either unavailable or do not agree on the potential impact of this missense change (SIFT: "Deleterious"; PolyPhen-2: "Benign"; Align-GVGD: "Class C0"). This variant has not been reported in the literature in individuals with COL12A1-related conditions. This variant is not present in population databases (ExAC no frequency). This sequence change replaces lysine with threonine at codon 1042 of the COL12A1 protein (p.Lys1042Thr). The lysine residue is highly conserved and there is a moderate physicochemical difference between lysine and threonine.

Revvity Omics, Revvity
Classification: Uncertain significance. Last evaluated: 2019-12-27. Review status: criteria provided, single submitter. Criteria: ACMG Guidelines, 2015. Collection method: clinical testing. Allele origin: germline.

NM_004370.6(COL12A1):c.3125A>C (p.Lys1042Thr)

Gene: COL12A1 (collagen type XII alpha 1 chain; minus strand). Cytogenetic location: 6q13.
Variant type: single nucleotide variant.
Coding change: c.3125A>C on transcript NM_004370.6 (MANE Select); coding-DNA position 3125, A replaced by C.
Protein change: p.Lys1042Thr; replaces lysine 1042 with threonine.
Molecular consequence: missense variant. On other transcripts: intron variant (1).
Genome position (GRCh38, 1-based): chr6:75,156,382, T>G on the plus strand (A>C on the coding strand, the complement: COL12A1 is on the minus strand). VCF-style: chr6-75156382-T-G. GRCh37 (hg19) VCF-style: chr6-75866098-T-G.
Other names: c.74-3900A>C (NM_080645.3); c.3125A>C (NM_004370.5); short protein forms K1042T.
Identifiers: ClinVar variation 1025957 (VCV001025957.14), dbSNP rs1767764412, ClinGen allele CA364753990.